The following is an entry in ClinVar:

NM_001010892.3(RSPH4A):c.716A>G (p.Lys239Arg)

Gene: RSPH4A (radial spoke head component 4A; plus strand). Cytogenetic location: 6q22.1.
Variant type: single nucleotide variant.
Coding change: c.716A>G on transcript NM_001010892.3 (MANE Select); coding-DNA position 716, A replaced by G.
Protein change: p.Lys239Arg; replaces lysine 239 with arginine.
Molecular consequence: missense variant.
Genome position (GRCh38, 1-based): chr6:116,622,797, A>G. VCF-style: chr6-116622797-A-G. GRCh37 (hg19) VCF-style: chr6-116943960-A-G.
Other names: c.716A>G, p.Lys239Arg (NM_001161664.2); short protein forms K239R.
Identifiers: ClinVar variation 2697025 (VCV002697025.3), dbSNP rs2482791121, ClinGen allele CA365397962.

ClinVar aggregate classification (germline): Uncertain significance (1 of 4 stars; one submission).

Conditions:
Primary ciliary dyskinesia. Also called: Ciliary dyskinesia. Identifiers: Orphanet 244, MedGen C0008780, MONDO:0016575, HP:0012265.

Allele frequency attached by ClinVar (database versions not stated): gnomAD exomes below 0.00001.
gnomAD v4.1: 1 of 1,609,298 alleles (0.000062%); highest among the groups gnomAD compares: Non-Finnish European, 0.000085%; no homozygotes.

Submission:

Labcorp Genetics (formerly Invitae), Labcorp
Classification: Uncertain significance for Primary ciliary dyskinesia. Last evaluated: 2023-11-18. Review status: criteria provided, single submitter. Criteria: Invitae Variant Classification Sherloc (09022015). Collection method: clinical testing. Allele origin: germline.
Comment: This sequence change replaces lysine, which is basic and polar, with arginine, which is basic and polar, at codon 239 of the RSPH4A protein (p.Lys239Arg). This variant is not present in population databases (gnomAD no frequency). This variant has not been reported in the literature in individuals affected with RSPH4A-related conditions. Advanced modeling of protein sequence and biophysical properties (such as structural, functional, and spatial information, amino acid conservation, physicochemical variation, residue mobility, and thermodynamic stability) performed at Invitae indicates that this missense variant is not expected to disrupt RSPH4A protein function with a negative predictive value of 80%. Algorithms developed to predict the effect of sequence changes on RNA splicing suggest that this variant may disrupt the consensus splice site. In summary, the available evidence is currently insufficient to determine the role of this variant in disease. Therefore, it has been classified as a Variant of Uncertain Significance.